The following is an entry in ClinVar:

ClinVar aggregate classification (germline): Pathogenic (1 of 4 stars; one submission).

Conditions:
Inborn genetic diseases. Identifiers: MedGen C0950123, MeSH D030342.

Submission:

Ambry Genetics
Classification: Pathogenic for Inborn genetic diseases. Last evaluated: 2025-09-03. Review status: criteria provided, single submitter. Criteria: Ambry Variant Classification Scheme 2023. Collection method: clinical testing. Allele origin: germline.
Comment: The c.1047+1G>A intronic variant results from a G to A substitution one nucleotide after coding exon 8 of the GRHL3 gene. Alterations that disrupt the canonical splice site are expected to cause aberrant splicing, resulting in an abnormal protein or a transcript that is subject to nonsense-mediated mRNA decay. for GRHL3-related van der Woude syndrome; however, its clinical significance for GRHL3-related neural tube defects is uncertain. This variant was not reported in population-based cohorts in the Genome Aggregation Database (gnomAD). This nucleotide position is highly conserved in available vertebrate species. In silico splice site analysis predicts that this alteration will weaken the native splice donor site. Based on the available evidence, this alteration is classified as pathogenic.

NM_198173.3(GRHL3):c.1047+1G>A

Gene: GRHL3 (grainyhead like transcription factor 3; plus strand). Cytogenetic location: 1p36.11.
Variant type: single nucleotide variant.
Coding change: c.1047+1G>A on transcript NM_198173.3 (MANE Select); the canonical splice donor site of the intron after coding-DNA position 1047, G replaced by A.
Molecular consequence: splice donor variant.
Genome position (GRCh38, 1-based): chr1:24,339,763, G>A. VCF-style: chr1-24339763-G-A. GRCh37 (hg19) VCF-style: chr1-24666253-G-A.
Other names: c.1047+1G>A (NM_198174.3); c.909+1G>A (NM_001195010.2); c.1062+1G>A (NM_021180.4).
Identifiers: ClinVar variation 4266829 (VCV004266829.1).